The following is an entry in ClinVar:

ClinVar aggregate classification (germline): Uncertain significance. Review status: criteria provided, multiple submitters, no conflicts (2 of 4 stars). 2 submissions from 2 submitters: Uncertain significance (2). Last evaluated 2024-12-07.

Conditions:
Fanconi anemia (FA). Also called: Fanconi's anemia. Identifiers: Orphanet 84, MedGen C0015625, MeSH D005199, MONDO:0019391.
Inborn genetic diseases. Identifiers: MedGen C0950123, MeSH D030342.

Allele frequency attached by ClinVar (database versions not stated): gnomAD exomes below 0.00001.
gnomAD v4.1: 1 of 1,611,692 alleles (0.000062%); highest among the groups gnomAD compares: Non-Finnish European, 0.000085%; no homozygotes.

Submissions (2):

Ambry Genetics
Classification: Uncertain significance for Inborn genetic diseases. Last evaluated: 2024-12-07. Review status: criteria provided, single submitter. Criteria: Ambry Variant Classification Scheme 2023. Collection method: clinical testing. Allele origin: germline.
Comment: The p.V708I variant (also known as c.2122G>A), located in coding exon 12 of the FANCM gene, results from a G to A substitution at nucleotide position 2122. The valine at codon 708 is replaced by isoleucine, an amino acid with highly similar properties. This amino acid position is conserved. In addition, this alteration is predicted to be tolerated by in silico analysis. Based on the available evidence, the clinical significance of this variant remains unclear.

Labcorp Genetics (formerly Invitae), Labcorp
Classification: Uncertain significance for Fanconi anemia. Last evaluated: 2020-04-18. Review status: criteria provided, single submitter. Criteria: Invitae Variant Classification Sherloc (09022015). Collection method: clinical testing. Allele origin: germline.
Comment: Algorithms developed to predict the effect of missense changes on protein structure and function output the following: SIFT: "Tolerated"; PolyPhen-2: "Benign"; Align-GVGD: "Class C0". The isoleucine amino acid residue is found in multiple mammalian species, suggesting that this missense change does not adversely affect protein function. These predictions have not been confirmed by published functional studies and their clinical significance is uncertain. In summary, the available evidence is currently insufficient to determine the role of this variant in disease. Therefore, it has been classified as a Variant of Uncertain Significance. This variant has not been reported in the literature in individuals with FANCM-related conditions. This variant is not present in population databases (ExAC no frequency). This sequence change replaces valine with isoleucine at codon 708 of the FANCM protein (p.Val708Ile). The valine residue is weakly conserved and there is a small physicochemical difference between valine and isoleucine.

NM_020937.4(FANCM):c.2122G>A (p.Val708Ile)

Gene: FANCM (FA complementation group M; plus strand). Cytogenetic location: 14q21.2.
Variant type: single nucleotide variant.
Coding change: c.2122G>A on transcript NM_020937.4 (MANE Select); coding-DNA position 2122, G replaced by A.
Protein change: p.Val708Ile; replaces valine 708 with isoleucine.
Molecular consequence: missense variant.
Genome position (GRCh38, 1-based): chr14:45,170,708, G>A. VCF-style: chr14-45170708-G-A. GRCh37 (hg19) VCF-style: chr14-45639911-G-A.
Other names: c.2044G>A, p.Val682Ile (NM_001308133.2); c.2122G>A (NM_020937.2); short protein forms V682I, V708I.
Identifiers: ClinVar variation 1010559 (VCV001010559.9), dbSNP rs1888284033, ClinGen allele CA389596258.